The following is an entry in ClinVar:

NM_003718.5(CDK13):c.2829A>T (p.Lys943Asn)

Gene: CDK13 (cyclin dependent kinase 13; plus strand). Cytogenetic location: 7p14.1.
Variant type: single nucleotide variant.
Coding change: c.2829A>T on transcript NM_003718.5 (MANE Select); coding-DNA position 2829, A replaced by T.
Protein change: p.Lys943Asn; replaces lysine 943 with asparagine.
Molecular consequence: missense variant.
Genome position (GRCh38, 1-based): chr7:40,078,053, A>T. VCF-style: chr7-40078053-A-T. GRCh37 (hg19) VCF-style: chr7-40117652-A-T.
Other names: c.2829A>T, p.Lys943Asn (NM_031267.4); short protein forms K943N.
Identifiers: ClinVar variation 2703584 (VCV002703584.3), dbSNP rs2484029808, ClinGen allele CA367289382.

ClinVar aggregate classification (germline): Uncertain significance (1 of 4 stars; one submission).

Submission:

Labcorp Genetics (formerly Invitae), Labcorp
Classification: Uncertain significance. Last evaluated: 2024-01-02. Review status: criteria provided, single submitter. Criteria: Invitae Variant Classification Sherloc (09022015). Collection method: clinical testing. Allele origin: germline.
Comment: This sequence change replaces lysine, which is basic and polar, with asparagine, which is neutral and polar, at codon 943 of the CDK13 protein (p.Lys943Asn). This variant is not present in population databases (gnomAD no frequency). This variant has not been reported in the literature in individuals affected with CDK13-related conditions. Advanced modeling of protein sequence and biophysical properties (such as structural, functional, and spatial information, amino acid conservation, physicochemical variation, residue mobility, and thermodynamic stability) has been performed at Invitae for this missense variant, however the output from this modeling did not meet the statistical confidence thresholds required to predict the impact of this variant on CDK13 protein function. In summary, the available evidence is currently insufficient to determine the role of this variant in disease. Therefore, it has been classified as a Variant of Uncertain Significance.